The following is an entry in ClinVar:

ClinVar aggregate classification (germline): Likely benign. Review status: criteria provided, multiple submitters, no conflicts (2 of 4 stars). 2 submissions from 2 submitters: Likely benign (2). Last evaluated 2026-01-06.

Conditions:
Diamond-Blackfan anemia 8 (DBA8). Also called: RPS7-Related Diamond-Blackfan Anemia. Identifiers: Orphanet 124, MedGen C2675511, MONDO:0012939, OMIM 612563.

Allele frequency attached by ClinVar (database versions not stated): TOPMed 0.00001; ExAC 0.00002.
gnomAD v4.1: 15 of 1,603,388 alleles (0.00094%); highest among the groups gnomAD compares: African/African-American, 0.0013%; no homozygotes.

Submissions (2):

Labcorp Genetics (formerly Invitae), Labcorp
Classification: Likely benign for Diamond-Blackfan anemia 8. Last evaluated: 2026-01-06. Review status: criteria provided, single submitter. Criteria: Invitae Variant Classification Sherloc (09022015). Collection method: clinical testing. Allele origin: germline.

Illumina Laboratory Services, Illumina
Classification: Likely benign for Diamond-Blackfan anemia 8. Last evaluated: 2018-01-13. Review status: criteria provided, single submitter. Criteria: ICSL Variant Classification Criteria 13 December 2019. Collection method: clinical testing. Allele origin: germline.
Comment: This variant was observed in the ICSL laboratory as part of a predisposition screen in an ostensibly healthy population. It had not been previously curated by ICSL or reported in the Human Gene Mutation Database (HGMD: prior to June 1st, 2018), and was therefore a candidate for classification through an automated scoring system. Utilizing variant allele frequency, disease prevalence and penetrance estimates, and inheritance mode, an automated score was calculated to assess if this variant is too frequent to cause the disease. Based on the score and internal cut-off values, a variant classified as likely benign is not then subjected to further curation. The score for this variant resulted in a classification of likely benign for this disease.

NM_001011.4(RPS7):c.292-9A>T

Gene: RPS7 (ribosomal protein S7; plus strand). Cytogenetic location: 2p25.3.
Variant type: single nucleotide variant.
Coding change: c.292-9A>T on transcript NM_001011.4 (MANE Select); 9 bases into the intron before coding-DNA position 292, A replaced by T.
Molecular consequence: intron variant.
Genome position (GRCh38, 1-based): chr2:3,577,701, A>T. VCF-style: chr2-3577701-A-T. GRCh37 (hg19) VCF-style: chr2-3625291-A-T.
Other names: c.292-9A>T (LRG_1148t1).
Identifiers: ClinVar variation 335904 (VCV000335904.13), dbSNP rs746941533, ClinGen allele CA1516649.